The following is an entry in ClinVar:

NM_004991.4(MECOM):c.2335A>G (p.Ser779Gly)

Gene: MECOM (MDS1 and EVI1 complex locus; minus strand). Cytogenetic location: 3q26.2.
Variant type: single nucleotide variant.
Coding change: c.2335A>G on transcript NM_004991.4 (MANE Select); coding-DNA position 2335, A replaced by G.
Protein change: p.Ser779Gly; replaces serine 779 with glycine.
Molecular consequence: missense variant.
Genome position (GRCh38, 1-based): chr3:169,115,537, T>C on the plus strand (A>G on the coding strand, the complement: MECOM is on the minus strand). VCF-style: chr3-169115537-T-C. GRCh37 (hg19) VCF-style: chr3-168833325-T-C.
Other names: c.1966A>G, p.Ser656Gly (NM_001105077.4); c.1771A>G, p.Ser591Gly (NM_001105078.4, NM_001164000.2, NM_001205194.2 and 4 more transcripts); c.1774A>G, p.Ser592Gly (NM_001163999.2, NM_001366467.2, NM_001366468.2 and 1 more transcripts); c.2335A>G, p.Ser779Gly (NM_001366466.2); c.1363A>G, p.Ser455Gly (NM_001366473.2); c.799A>G, p.Ser267Gly (NM_001366474.2); short protein forms S592G, S779G, S267G, S455G, S591G, S656G.
Identifiers: ClinVar variation 3394346 (VCV003394346.1).

ClinVar aggregate classification (germline): Uncertain significance (1 of 4 stars; one submission).

Conditions:
Inborn genetic diseases. Identifiers: MedGen C0950123, MeSH D030342.

gnomAD v4.1: 2 of 1,614,158 alleles (0.00012%); highest among the groups gnomAD compares: South Asian, 0.0011%; no homozygotes.

Submission:

Ambry Genetics
Classification: Uncertain significance for Inborn genetic diseases. Last evaluated: 2024-11-28. Review status: criteria provided, single submitter. Criteria: Ambry Variant Classification Scheme 2023. Collection method: clinical testing. Allele origin: germline.
Comment: The p.S779G variant (also known as c.2335A>G), located in coding exon 8 of the MECOM gene, results from an A to G substitution at nucleotide position 2335. The serine at codon 779 is replaced by glycine, an amino acid with similar properties. This amino acid position is conserved. In addition, this alteration is predicted to be tolerated by in silico analysis. Based on the available evidence, the clinical significance of this variant remains unclear.